The following is an entry in ClinVar:

NM_000202.8(IDS):c.801dup (p.Met268fs)

Genes: IDS (iduronate 2-sulfatase; minus strand), LOC106050102 (IDS recombination region; plus strand). Cytogenetic location: Xq28.
Variant type: Duplication.
Coding change: c.801dup on transcript NM_000202.8 (MANE Select); coding-DNA position 801, one base duplicated (G; older notation c.801dupG).
Protein change: p.Met268fs; shifts the reading frame from methionine 268.
Molecular consequence: frameshift variant. On other transcripts: non-coding transcript variant (1).
Genome position (GRCh38, 1-based): chrX:149,496,424, C duplicated on the plus strand (G on the coding strand, the reverse complement: IDS is on the minus strand); the first of 2 consecutive C bases (chrX:149,496,424-149,496,425); duplicating either gives the same sequence. VCF-style (leftmost placement, unchanged base first): chrX-149496423-T-TC. GRCh37 (hg19) VCF-style: chrX-148577954-T-TC.
Other names: c.531dup, p.Met178fs (NM_001166550.4); c.801dup, p.Met268fs (NM_006123.5); short protein forms M178fs, M268fs.
Identifiers: ClinVar variation 988683 (VCV000988683.3), dbSNP rs2089436936, ClinGen allele CA2465008692.
Genomic context (GRCh38, chrX:149,496,423, plus strand): 5'-TTGGACCATACGGCACACTGATGTTTAAGGCTTGGACGTCTTCCCGTTGCCTGATGTCCA[T>TC]CCAGGGGTTGTAGGCCACAGGGGGTAGGCCATCAGGGACCTCGGGATCGGGGGCCAGGGT-3'

ClinVar aggregate classification (germline): Pathogenic. Review status: criteria provided, single submitter (1 of 4 stars). 2 submissions from 2 submitters: Pathogenic (1). 1 of the submissions does not count toward it. Last evaluated 2024-06-07.

Conditions:
Mucopolysaccharidosis, MPS-II (MPS2). Also called: IDS deficiency; Sulfoiduronate sulfatase deficiency; SIDS deficiency; Mucopolysaccharidosis type 2; Mucopolysaccharidosis Type II; Attenuated MPS (subtype; formerly known as mild MPS II). Identifiers: Orphanet 580, Orphanet 79388, MedGen C0026705, MONDO:0010674, OMIM 309900.

Submissions (2):

Laboratory of Diagnosis and Therapy of Lysosomal Disorders, University of Padova
Classification: Pathogenic for Mucopolysaccharidosis, MPS-II. Last evaluated: 2024-06-07. Review status: criteria provided, single submitter. Criteria: ACMG Guidelines, 2015. Collection method: literature only. Allele origin: germline. Affected: yes. Observed: 1 variant allele.
Comment: Null variant (PVS1_VeryStrong), Absent from controls (or at low frequency) in gnomAD database (PM2_Moderate), Patient’s phenotype or family history highly specific for the disease (PP4_Strong)

Classification method: ACMG Guidelines [PMID:25741868] with modifications

Laboratory of Inherited Metabolic Diseases, Research centre for medical genetics
Classification: Pathogenic for Mucopolysaccharidosis, type II; MPS2. Review status: no assertion criteria provided. Collection method: research. Allele origin: germline. Affected: yes. Not counted in ClinVar's aggregate classification.

Literature cited by the submitters: PubMed 33676511 (cited by Laboratory of Diagnosis and Therapy of Lysosomal Disorders, University of Padova).